The following is an entry in ClinVar:

NM_002907.4(RECQL):c.629C>A (p.Ala210Glu)

Gene: RECQL (RecQ like helicase; minus strand). Cytogenetic location: 12p12.1.
Variant type: single nucleotide variant.
Coding change: c.629C>A on transcript NM_002907.4 (MANE Select); coding-DNA position 629, C replaced by A.
Protein change: p.Ala210Glu; replaces alanine 210 with glutamic acid.
Molecular consequence: missense variant.
Genome position (GRCh38, 1-based): chr12:21,483,447, G>T on the plus strand (C>A on the coding strand, the complement: RECQL is on the minus strand). VCF-style: chr12-21483447-G-T. GRCh37 (hg19) VCF-style: chr12-21636381-G-T.
Other names: c.629C>A, p.Ala210Glu (NM_032941.3); short protein forms A210E.
Identifiers: ClinVar variation 2450976 (VCV002450976.4), dbSNP rs2540374924, ClinGen allele CA384127040.

ClinVar aggregate classification (germline): Uncertain significance. Review status: criteria provided, multiple submitters, no conflicts (2 of 4 stars). 2 submissions from 2 submitters: Uncertain significance (2). Last evaluated 2025-06-28.

Allele frequency attached by ClinVar (database versions not stated): gnomAD exomes below 0.00001.
gnomAD v4.1: 1 of 1,605,572 alleles (0.000062%); highest among the groups gnomAD compares: Non-Finnish European, 0.000085%; no homozygotes.

Submissions (2):

Ambry Genetics
Classification: Uncertain significance. Last evaluated: 2025-06-28. Review status: criteria provided, single submitter. Criteria: Ambry Variant Classification Scheme 2023. Collection method: clinical testing. Allele origin: germline.
Comment: The p.A210E variant (also known as c.629C>A), located in coding exon 5 of the RECQL gene, results from a C to A substitution at nucleotide position 629. The alanine at codon 210 is replaced by glutamic acid, an amino acid with dissimilar properties. This amino acid position is conserved. In addition, the in silico prediction for this alteration is inconclusive. The evidence for this gene-disease relationship is limited; therefore, the clinical significance of this alteration is unclear.

Labcorp Genetics (formerly Invitae), Labcorp
Classification: Uncertain significance. Last evaluated: 2025-02-18. Review status: criteria provided, single submitter. Criteria: Invitae Variant Classification Sherloc (09022015). Collection method: clinical testing. Allele origin: germline.
Comment: This sequence change replaces alanine, which is neutral and non-polar, with glutamic acid, which is acidic and polar, at codon 210 of the RECQL protein (p.Ala210Glu). This variant is not present in population databases (gnomAD no frequency). This variant has not been reported in the literature in individuals affected with RECQL-related conditions. ClinVar contains an entry for this variant (Variation ID: 2450976). An algorithm developed to predict the effect of missense changes on protein structure and function (PolyPhen-2) suggests that this variant is likely to be disruptive. In summary, the available evidence is currently insufficient to determine the role of this variant in disease. Therefore, it has been classified as a Variant of Uncertain Significance.